The following is an entry in ClinVar:

ClinVar aggregate classification (germline): Uncertain significance (1 of 4 stars; one submission).

Conditions:
Neurofibromatosis, type 1 (NF1). Also called: NEUROFIBROMATOSIS, TYPE I, SOMATIC; VON RECKLINGHAUSEN DISEASE; Peripheral type neurofibromatosis; Neurofibromatosis, type I. Identifiers: Orphanet 636, MedGen C0027831, MONDO:0018975, OMIM 162200. Disease mechanism: loss of function.

Submission:

Labcorp Genetics (formerly Invitae), Labcorp
Classification: Uncertain significance for Neurofibromatosis, type 1. Last evaluated: 2021-04-04. Review status: criteria provided, single submitter. Criteria: Invitae Variant Classification Sherloc (09022015). Collection method: clinical testing. Allele origin: germline.
Comment: This variant has not been reported in the literature in individuals with NF1-related conditions. In summary, the available evidence is currently insufficient to determine the role of this variant in disease. Therefore, it has been classified as a Variant of Uncertain Significance. Advanced modeling of protein sequence and biophysical properties (such as structural, functional, and spatial information, amino acid conservation, physicochemical variation, residue mobility, and thermodynamic stability) performed at Invitae indicates that this missense variant is not expected to disrupt NF1 protein function. This variant is not present in population databases (ExAC no frequency). This sequence change replaces asparagine with threonine at codon 1229 of the NF1 protein (p.Asn1229Thr). The asparagine residue is moderately conserved and there is a small physicochemical difference between asparagine and threonine.

NM_001042492.3(NF1):c.3686A>C (p.Asn1229Thr)

Gene: NF1 (neurofibromin 1; plus strand). Cytogenetic location: 17q11.2.
Variant type: single nucleotide variant.
Coding change: c.3686A>C on transcript NM_001042492.3 (MANE Select); coding-DNA position 3686, A replaced by C.
Protein change: p.Asn1229Thr; replaces asparagine 1229 with threonine.
Molecular consequence: missense variant.
Genome position (GRCh38, 1-based): chr17:31,233,191, A>C. VCF-style: chr17-31233191-A-C. GRCh37 (hg19) VCF-style: chr17-29560209-A-C.
Other names: c.3686A>C, p.Asn1229Thr (NM_000267.4); short protein forms N1229T.
Identifiers: ClinVar variation 1463870 (VCV001463870.8), dbSNP rs140523180, ClinGen allele CA398990647.